The following is an entry in ClinVar:

NM_004655.4(AXIN2):c.2226G>A (p.Leu742=)

Gene: AXIN2 (axin 2; minus strand). Cytogenetic location: 17q24.1.
Variant type: single nucleotide variant.
Coding change: c.2226G>A on transcript NM_004655.4 (MANE Select); coding-DNA position 2226, G replaced by A.
Protein change: p.Leu742=; no amino-acid change (leucine 742 retained).
Molecular consequence: synonymous variant.
Genome position (GRCh38, 1-based): chr17:65,535,637, C>T on the plus strand (G>A on the coding strand, the complement: AXIN2 is on the minus strand). VCF-style: chr17-65535637-C-T. GRCh37 (hg19) VCF-style: chr17-63531755-C-T.
Other names: c.2226G>A (NM_004655.3); c.2031G>A, p.Leu677= (NM_001363813.1).
Identifiers: ClinVar variation 1038925 (VCV001038925.10), dbSNP rs2043898469, ClinGen allele CA501476047.

ClinVar aggregate classification (germline): Benign/Likely benign. Review status: criteria provided, multiple submitters, no conflicts (2 of 4 stars). 3 submissions from 3 submitters: Benign (1); Likely benign (2). Last evaluated 2025-12-28.

Conditions:
Hereditary cancer-predisposing syndrome. Also called: Neoplastic Syndromes, Hereditary; Hereditary Cancer Syndrome; Tumor predisposition; Hereditary neoplastic syndrome. Identifiers: Orphanet 140162, MedGen C0027672, MeSH D009386, MONDO:0015356.
Oligodontia-cancer predisposition syndrome. Also called: TOOTH AGENESIS-COLORECTAL CANCER SYNDROME. Identifiers: Orphanet 300576, MedGen C1837750, MONDO:0012075, OMIM 608615. Disease mechanism: loss of function.

Submissions (3):

Labcorp Genetics (formerly Invitae), Labcorp
Classification: Likely benign for Oligodontia-cancer predisposition syndrome. Last evaluated: 2025-12-28. Review status: criteria provided, single submitter. Criteria: Invitae Variant Classification Sherloc (09022015). Collection method: clinical testing. Allele origin: germline.

Ambry Genetics
Classification: Likely benign for Hereditary cancer-predisposing syndrome. Last evaluated: 2025-05-02. Review status: criteria provided, single submitter. Criteria: Ambry Variant Classification Scheme 2023. Collection method: clinical testing. Allele origin: germline.

Myriad Genetics, Inc.
Classification: Benign for Oligodontia-cancer predisposition syndrome. Last evaluated: 2024-07-10. Review status: criteria provided, single submitter. Criteria: Myriad Autosomal Dominant, Autosomal Recessive and X-Linked Classification Criteria (2023). Collection method: clinical testing. Allele origin: unknown.
Comment: This variant is considered benign. This variant is a silent/synonymous amino acid change and it is not expected to impact splicing.